The following is an entry in ClinVar:

NM_006493.4(CLN5):c.286C>T (p.Arg96Ter)

Gene: CLN5 (CLN5 lysosomal BMP synthase; plus strand). Cytogenetic location: 13q22.3.
Variant type: single nucleotide variant.
Coding change: c.286C>T on transcript NM_006493.4 (MANE Select); coding-DNA position 286, C replaced by T.
Protein change: p.Arg96Ter; replaces arginine 96 with a stop codon.
Molecular consequence: nonsense.
Genome position (GRCh38, 1-based): chr13:76,995,175, C>T. VCF-style: chr13-76995175-C-T. GRCh37 (hg19) VCF-style: chr13-77569310-C-T.
Other names: c.433C>T (LRG_692t1); c.286C>T, p.Arg96Ter (NM_001366624.2); short protein forms R96*.
Identifiers: ClinVar variation 56534 (VCV000056534.23), dbSNP rs386833971, ClinGen allele CA263887.

ClinVar aggregate classification (germline): Pathogenic/Likely pathogenic. Review status: criteria provided, multiple submitters, no conflicts (2 of 4 stars). 10 submissions from 10 submitters: Pathogenic (7); Likely pathogenic (1). 2 of the submissions do not count toward it. Last evaluated 2025-08-18.

Conditions:
CLN5-related disorder. Also called: CLN5-related condition.
Neuronal ceroid lipofuscinosis. Also called: Neuronal Ceroid Lipofuscinoses. Identifiers: Orphanet 216, Orphanet 79263, MedGen C0027877, MONDO:0016295. Disease mechanism: loss of function.
Neuronal ceroid lipofuscinosis 5 (CLN5). Also called: Neuronal ceroid lipofuscinosis Finnish variant; NEURONAL CEROID LIPOFUSCINOSIS, LATE INFANTILE, FINNISH VARIANT; CLN5-Related Neuronal Ceroid-Lipofuscinosis; CEROID LIPOFUSCINOSIS, NEURONAL, 5, VARIABLE AGE AT ONSET. Identifiers: Orphanet 168491, Orphanet 228360, MedGen C1850442, MONDO:0009745, OMIM 256731.

Allele frequency attached by ClinVar (database versions not stated): gnomAD exomes 0.00001 and 0.00002; TOPMed 0.00002; ExAC 0.00001; gnomAD 0.00001.

Submissions (10):

Labcorp Genetics (formerly Invitae), Labcorp
Classification: Pathogenic for Neuronal ceroid lipofuscinosis. Last evaluated: 2025-08-18. Review status: criteria provided, single submitter. Criteria: Invitae Variant Classification Sherloc (09022015). Collection method: clinical testing. Allele origin: germline.
Comment: This sequence change creates a premature translational stop signal (p.Arg145*) in the CLN5 gene. While this is not anticipated to result in nonsense mediated decay, it is expected to disrupt the last 263 amino acid(s) of the CLN5 protein. This variant is present in population databases (rs386833971, gnomAD 0.01%). This premature translational stop signal has been observed in individual(s) with neuronal ceroid lipofuscinosis (PMID: 21990111). ClinVar contains an entry for this variant (Variation ID: 56534). This variant disrupts a region of the CLN5 protein in which other variant(s) (p.Tyr392*, p.Lys368Serfs*15) have been determined to be pathogenic (PMID: 9662406, 20157158, 20960652, 22532218, 25976102). This suggests that this is a clinically significant region of the protein, and that variants that disrupt it are likely to be disease-causing. For these reasons, this variant has been classified as Pathogenic.

Natera, Inc.
Classification: Pathogenic for Neuronal ceroid lipofuscinosis. Last evaluated: 2025-06-26. Review status: criteria provided, single submitter. Criteria: Natera Variant Classification Schema (03/2026). Collection method: clinical testing. Allele origin: germline.
Comment: The c.433C>T variant in CLN5 is a nonsense variant predicted to introduce a stop codon at amino acid 145. This variant is expected to result in nonsense mediated decay, truncation, or a dysfunctional protein product. This variant is rare in the general population with a frequency below the threshold expected for the associated phenotype(s). This variant has been observed in one or more individuals affected with the associated recessive disease, as either homozygous or compound heterozygous with a second variant (PMID: 34888859, 32005694). Given the available evidence, this variant is classified as Pathogenic.

Fulgent Genetics
Classification: Pathogenic for Neuronal ceroid lipofuscinosis 5. Last evaluated: 2024-04-18. Review status: criteria provided, single submitter. Criteria: ACMG Guidelines, 2015. Collection method: clinical testing. Allele origin: germline.

Baylor Genetics
Classification: Pathogenic for Neuronal ceroid lipofuscinosis 5. Last evaluated: 2024-01-21. Review status: criteria provided, single submitter. Criteria: ACMG Guidelines, 2015. Collection method: clinical testing. Allele origin: unknown.

Women's Health and Genetics/Laboratory Corporation of America, LabCorp
Classification: Pathogenic for Neuronal ceroid lipofuscinosis. Last evaluated: 2022-07-13. Review status: criteria provided, single submitter. Criteria: LabCorp Variant Classification Summary - May 2015. Collection method: clinical testing. Allele origin: germline.
Comment: Variant summary: CLN5 c.433C>T (p.Arg145X) results in a premature termination codon, predicted to cause a truncation of the encoded protein or absence of the protein due to nonsense mediated decay, which are commonly known mechanisms for disease. Truncations downstream of this position have been classified as pathogenic by our laboratory. The variant allele was found at a frequency of 2.4e-05 in 251424 control chromosomes. c.433C>T has been reported in the literature in individuals affected with Neuronal Ceroid-Lipofuscinosis (Batten Disease)(example: Kousi_2012, Giannakis_2016, Dong_2020). These data indicate that the variant is likely to be associated with disease. One publication reports experimental evidence evaluating an impact of a proline substitution in the same position having a significant impact on protein function, where the authors postulate that this region may be a mutational hotspot where changes are associated with high potential for pathogenicity (Luo_2020). Three ClinVar submitters have assessed this variant after 2014: one have classified the variant as likely pathogenic and two as pathogenic. Based on the evidence outlined above, the variant was classified as pathogenic.

Blueprint Genetics
Classification: Likely pathogenic for CLN5-related disorders. Last evaluated: 2022-01-20. Review status: criteria provided, single submitter. Criteria: ACMG Guidelines, 2015. Collection method: clinical testing. Allele origin: germline. Affected: yes. Observed: 3 variant alleles.

Genome-Nilou Lab
Classification: Pathogenic for Neuronal ceroid lipofuscinosis 5. Last evaluated: 2021-08-10. Review status: criteria provided, single submitter. Criteria: ACMG Guidelines, 2015. Collection method: clinical testing. Allele origin: germline. Affected: no.

Juno Genomics, Hangzhou Juno Genomics, Inc
Classification: Pathogenic for Neuronal ceroid lipofuscinosis 5. Review status: criteria provided, single submitter. Criteria: ACMG Guidelines, 2015. Collection method: clinical testing. Allele origin: germline.
Comment: Absent from controls (or at extremely low frequency if recessive) in Genome Aggregation Database.;Null variant in a gene where loss of function (LOF) is a known mechanism of disease.;For recessive disorders, detected in trans with a pathogenic variant.;Patient's phenotype or family history is highly specific for a disease with a single genetic etiology.

Counsyl
Classification: Likely pathogenic for Ceroid lipofuscinosis neuronal 5. Last evaluated: 2015-01-06. Review status: no assertion criteria provided. Collection method: literature only. Allele origin: unknown. Inheritance: Autosomal recessive inheritance. Not counted in ClinVar's aggregate classification.

Juha Muilu Group; Institute for Molecular Medicine Finland (FIMM)
Classification: Likely pathogenic for Ceroid lipofuscinosis neuronal 5. Review status: no assertion criteria provided. Collection method: not provided. Allele origin: unknown. Not counted in ClinVar's aggregate classification.
Comment: FinDis database variant: This variant was not found or characterized by our laboratory, data were collected from public sources: see reference
ClinVar note: Converted during submission from probable-pathogenic to Likely pathogenic.

Literature cited by the submitters: PubMed 21990111 (cited by 3 submitters); PubMed 9662406 (cited by Labcorp Genetics (formerly Invitae), Labcorp); PubMed 20157158 (cited by Labcorp Genetics (formerly Invitae), Labcorp); PubMed 20960652 (cited by Labcorp Genetics (formerly Invitae), Labcorp); PubMed 22532218 (cited by Labcorp Genetics (formerly Invitae), Labcorp); PubMed 25976102 (cited by Labcorp Genetics (formerly Invitae), Labcorp); PubMed 34888859 (cited by Natera, Inc.); PubMed 32005694 (cited by Natera, Inc. and Women's Health and Genetics/Laboratory Corporation of America, LabCorp); PubMed 27149842 (cited by Women's Health and Genetics/Laboratory Corporation of America, LabCorp); PubMed 30919163 (cited by Women's Health and Genetics/Laboratory Corporation of America, LabCorp); PubMed 30264640 (cited by Women's Health and Genetics/Laboratory Corporation of America, LabCorp); PubMed 32983231 (cited by Women's Health and Genetics/Laboratory Corporation of America, LabCorp); PubMed 27553520 (cited by Women's Health and Genetics/Laboratory Corporation of America, LabCorp).